The following is an entry in ClinVar:

NM_001378120.1(MBD5):c.1084G>C (p.Asp362His)

Gene: MBD5 (methyl-CpG binding domain protein 5; plus strand). Cytogenetic location: 2q23.1.
Variant type: single nucleotide variant.
Coding change: c.1084G>C on transcript NM_001378120.1 (MANE Select); coding-DNA position 1084, G replaced by C.
Protein change: p.Asp362His; replaces aspartic acid 362 with histidine.
Molecular consequence: missense variant.
Genome position (GRCh38, 1-based): chr2:148,469,027, G>C. VCF-style: chr2-148469027-G-C. GRCh37 (hg19) VCF-style: chr2-149226596-G-C.
Other names: c.1084G>C, p.Asp362His (NM_018328.5); short protein forms D362H.
Identifiers: ClinVar variation 1368838 (VCV001368838.8), dbSNP rs1335443686, ClinGen allele CA348718341.
Genomic context (GRCh38, chr2:148,469,027, plus strand): 5'-CCTTCTTGTGCTCTTCAGAAAAAGCCATTAACATCTGAGAAAGATCCACTTGGCATTCTT[G>C]ACCCTATTCCTAGTAAACCAGTGAATCAGAACCCTGTTATCATTAATCCAACCAGTTTCC-3'
Protein context (NP_001365049.1, residues 352-372): TSEKDPLGIL[Asp362His]PIPSKPVNQN

ClinVar aggregate classification (germline): Uncertain significance (1 of 4 stars; one submission).

Conditions:
Intellectual developmental disorder, autosomal dominant 1. Also called: Intellectual disability, autosomal dominant 1; MBD5 Haploinsufficiency. Identifiers: Orphanet 228402, MedGen C1969562, MONDO:0007974, OMIM 156200.

Allele frequency attached by ClinVar (database versions not stated): TOPMed below 0.00001.

Submission:

Labcorp Genetics (formerly Invitae), Labcorp
Classification: Uncertain significance for Intellectual developmental disorder, autosomal dominant 1. Last evaluated: 2022-08-09. Review status: criteria provided, single submitter. Criteria: Invitae Variant Classification Sherloc (09022015). Collection method: clinical testing. Allele origin: germline.
Comment: Algorithms developed to predict the effect of missense changes on protein structure and function (SIFT, PolyPhen-2, Align-GVGD) all suggest that this variant is likely to be disruptive. ClinVar contains an entry for this variant (Variation ID: 1368838). This variant has not been reported in the literature in individuals affected with MBD5-related conditions. This variant is not present in population databases (gnomAD no frequency). This sequence change replaces aspartic acid, which is acidic and polar, with histidine, which is basic and polar, at codon 362 of the MBD5 protein (p.Asp362His). In summary, the available evidence is currently insufficient to determine the role of this variant in disease. Therefore, it has been classified as a Variant of Uncertain Significance.